The following is an entry in ClinVar:

NM_000268.4(NF2):c.999+296A>G

Gene: NF2 (NF2, moesin-ezrin-radixin like (MERLIN) tumor suppressor; plus strand). Cytogenetic location: 22q12.2.
Variant type: single nucleotide variant.
Coding change: c.999+296A>G on transcript NM_000268.4 (MANE Select); 296 bases into the intron after coding-DNA position 999, A replaced by G.
Molecular consequence: intron variant.
Genome position (GRCh38, 1-based): chr22:29,668,742, A>G. VCF-style: chr22-29668742-A-G. GRCh37 (hg19) VCF-style: chr22-30064731-A-G.
Other names: c.999+296A>G (NM_016418.5, NM_181832.3, NM_181825.3); c.448-26010A>G (NM_181833.3); c.876+296A>G (NM_181829.3); c.873+296A>G (NM_181828.3); c.750+296A>G (NM_181830.3, NM_181831.3).
Identifiers: ClinVar variation 683803 (VCV000683803.1), dbSNP rs2252587, ClinGen allele CA14937936.

ClinVar aggregate classification (germline): Benign (1 of 4 stars; one submission).

Allele frequency attached by ClinVar (database versions not stated): 1000 Genomes Project 0.30092; 1000 Genomes Project 30x 0.30122; TOPMed 0.36780; gnomAD 0.37293 and 0.37691.
gnomAD v4.1: 56,852 of 152,174 alleles (37%); highest among the groups gnomAD compares: Non-Finnish European, 47%; 11,326 homozygotes.

Submission:

GeneDx
Classification: Benign. Last evaluated: 2018-06-14. Review status: criteria provided, single submitter. Criteria: GeneDx Variant Classification (06012015). Collection method: clinical testing. Allele origin: germline. Affected: yes.
Comment: This variant is considered likely benign or benign based on one or more of the following criteria: it is a conservative change, it occurs at a poorly conserved position in the protein, it is predicted to be benign by multiple in silico algorithms, and/or has population frequency not consistent with disease.